The following is an entry in ClinVar:

ClinVar aggregate classification (germline): Pathogenic (1 of 4 stars; one submission).

Submission:

Labcorp Genetics (formerly Invitae), Labcorp
Classification: Pathogenic. Last evaluated: 2024-05-02. Review status: criteria provided, single submitter. Criteria: Invitae Variant Classification Sherloc (09022015). Collection method: clinical testing. Allele origin: germline.
Comment: This sequence change creates a premature translational stop signal (p.Leu331Cysfs*71) in the GGCX gene. It is expected to result in an absent or disrupted protein product. Loss-of-function variants in GGCX are known to be pathogenic (PMID: 17110937, 17327402, 24520408). This variant is not present in population databases (gnomAD no frequency). This variant has not been reported in the literature in individuals affected with GGCX-related conditions. For these reasons, this variant has been classified as Pathogenic.

Literature cited by the submitters: PubMed 17110937; PubMed 17327402; PubMed 24520408.

NM_000821.7(GGCX):c.990del (p.Leu331fs)

Gene: GGCX (gamma-glutamyl carboxylase; minus strand). Cytogenetic location: 2p11.2.
Variant type: Deletion.
Coding change: c.990del on transcript NM_000821.7 (MANE Select); coding-DNA position 990, one base deleted (G; older notation c.990delG).
Protein change: p.Leu331fs; shifts the reading frame from leucine 331.
Molecular consequence: frameshift variant.
Genome position (GRCh38, 1-based): chr2:85,553,397, C deleted on the plus strand (G on the coding strand, the reverse complement: GGCX is on the minus strand). VCF-style (leftmost placement, unchanged base first): chr2-85553396-AC-A. GRCh37 (hg19) VCF-style: chr2-85780519-AC-A.
Other names: c.819del, p.Leu274fs (NM_001142269.4); short protein forms L331fs, L274fs.
Identifiers: ClinVar variation 3683782 (VCV003683782.2).